The following is an entry in ClinVar:

ClinVar aggregate classification (germline): Uncertain significance (1 of 4 stars; one submission).

gnomAD v4.1: 6 of 1,367,740 alleles (0.00044%); highest among the groups gnomAD compares: South Asian, 0.0078%; no homozygotes.

Submission:

Labcorp Genetics (formerly Invitae), Labcorp
Classification: Uncertain significance. Last evaluated: 2021-07-27. Review status: criteria provided, single submitter. Criteria: Invitae Variant Classification Sherloc (09022015). Collection method: clinical testing. Allele origin: germline.
Comment: This variant is not present in population databases (ExAC no frequency). In summary, the available evidence is currently insufficient to determine the role of this variant in disease. Therefore, it has been classified as a Variant of Uncertain Significance. Algorithms developed to predict the effect of sequence changes on RNA splicing suggest that this variant may create or strengthen a splice site. Algorithms developed to predict the effect of missense changes on protein structure and function are either unavailable or do not agree on the potential impact of this missense change (SIFT: "Tolerated"; PolyPhen-2: "Probably Damaging"; Align-GVGD: "Class C0"). This variant has not been reported in the literature in individuals affected with IRF2BP2-related conditions. This sequence change replaces proline with glutamine at codon 190 of the IRF2BP2 protein (p.Pro190Gln). The proline residue is moderately conserved and there is a moderate physicochemical difference between proline and glutamine.

NM_182972.3(IRF2BP2):c.569C>A (p.Pro190Gln)

Gene: IRF2BP2 (interferon regulatory factor 2 binding protein 2; minus strand). Cytogenetic location: 1q42.3.
Variant type: single nucleotide variant.
Coding change: c.569C>A on transcript NM_182972.3 (MANE Select); coding-DNA position 569, C replaced by A.
Protein change: p.Pro190Gln; replaces proline 190 with glutamine.
Molecular consequence: missense variant.
Genome position (GRCh38, 1-based): chr1:234,608,926, G>T on the plus strand (C>A on the coding strand, the complement: IRF2BP2 is on the minus strand). VCF-style: chr1-234608926-G-T. GRCh37 (hg19) VCF-style: chr1-234744672-G-T.
Other names: c.569C>A, p.Pro190Gln (NM_001077397.1); short protein forms P190Q.
Identifiers: ClinVar variation 1467948 (VCV001467948.8), dbSNP rs1558309544, ClinGen allele CA345309598.